The following is an entry in ClinVar:

NC_000015.9:g.(?_55742400)_(55742585_?)del

Gene: DNAAF4 (dynein axonemal assembly factor 4; minus strand). Cytogenetic location: 15q21.3.
Variant type: Deletion.
Identifiers: ClinVar variation 3243905 (VCV003243905.1).

ClinVar aggregate classification (germline): Pathogenic (1 of 4 stars; one submission).

Submission:

Labcorp Genetics (formerly Invitae), Labcorp
Classification: Pathogenic. Last evaluated: 2024-01-26. Review status: criteria provided, single submitter. Criteria: Invitae Variant Classification Sherloc (09022015). Collection method: clinical testing. Allele origin: unknown.
Comment: This variant is a gross deletion of the genomic region encompassing exon(s) 6 of the DNAAF4 gene. This deletion is out-of-frame, and is expected to create a premature termination codon and result in an absent or disrupted protein product. Loss-of-function variants in DNAAF4 are known to be pathogenic (PMID: 23872636). This variant has not been reported in the literature in individuals affected with DNAAF4-related conditions. For these reasons, this variant has been classified as Pathogenic.

Literature cited by the submitters: PubMed 23872636.